The following is an entry in ClinVar:

NM_000261.2(MYOC):c.304T>A (p.Leu102Met)

Gene: MYOC (myocilin; minus strand). Cytogenetic location: 1q24.3.
Variant type: single nucleotide variant.
Coding change: c.304T>A on transcript NM_000261.2 (MANE Select); coding-DNA position 304, T replaced by A.
Protein change: p.Leu102Met; replaces leucine 102 with methionine.
Molecular consequence: missense variant.
Genome position (GRCh38, 1-based): chr1:171,652,308, A>T on the plus strand (T>A on the coding strand, the complement: MYOC is on the minus strand). VCF-style: chr1-171652308-A-T. GRCh37 (hg19) VCF-style: chr1-171621448-A-T.
Other names: NM_000261.2(MYOC):c.304T>A; p.Leu102Met; short protein forms L102M.
Identifiers: ClinVar variation 293720 (VCV000293720.7), dbSNP rs140017103, ClinGen allele CA10608379.
Genomic context (GRCh38, chr1:171,652,308, plus strand): 5'-CCAGCTCCCTCTGCAGCCCCTCCTGGGTCTCCTGGGGCCTGGCAGCCTGGTCCAAGGTCA[A>T]TTGGTGGAGGAGGCTCTCCAGGGAGCTGAGTCGAGCTTTGGTGGCCTCCAGGTCTAAGCG-3'
Protein context (NP_000252.1, residues 92-112): LSSLESLLHQ[Leu102Met]TLDQAARPQE

ClinVar aggregate classification (germline): Uncertain significance. Review status: reviewed by expert panel (3 of 4 stars). 3 submissions from 2 submitters: Uncertain significance (1). 2 of the submissions do not count toward it. Last evaluated 2025-12-03.

Conditions:
Glaucoma. Identifiers: MedGen C0017601, MONDO:0005041, HP:0000501.
Glaucoma 1, open angle, A (GLC1A). Also called: Glaucoma, Dominant (Juvenile Onset). Identifiers: Orphanet 98977, MedGen C1842028, MONDO:0007664, OMIM 137750.
Open-angle glaucoma. Identifiers: MedGen C0017612, MONDO:0005338, HP:0012108.

Submissions (3):

ClinGen Glaucoma Variant Curation Expert Panel
Classification: Uncertain significance for Open-angle glaucoma. Last evaluated: 2025-12-03. Review status: reviewed by expert panel. Criteria: ClinGen Glaucoma ACMG Specifications V2.0.0 Approved. Collection method: curation. Allele origin: germline. Inheritance: Autosomal dominant inheritance.
Comment: The c.304T>A variant in MYOC is a missense variant predicted to cause substitution of Leucine by Methionine at amino acid 102 (p.Leu102Met). This variant was not found in any genetic ancestry group of gnomAD (v4.1.0), meeting the ≤ 0.0001 threshold set for PM2_Supporting in a genetic ancestry group of at least 10,000 alleles. The REVEL score = 0.071, which was within the 0.017-0.183 range for BP4_Moderate, suggesting that the variant does not impact MYOC function. There was no functional evidence predicting a damaging or benign impact of this variant on MYOC function. This variant was identified in laboratory based testing, but has not yet been found in a proband with juvenile or primary open angle glaucoma. In summary, this variant met the criteria to receive a score of -1 and to be classified as a variant of uncertain significance (uncertain significance classification range -1 to 5, adapted from PMID: 32720330) for primary open angle glaucoma based on the ACMG/AMP criteria met, as specified by the ClinGen Glaucoma VCEP (v2.0.0, 5 Dec 2024): BP4_Moderate, PM2_Supporting

Illumina Laboratory Services, Illumina
Classification: Uncertain significance for Glaucoma. Last evaluated: 2018-01-13. Review status: criteria provided, single submitter. Criteria: ICSL Variant Classification Criteria 13 December 2019. Collection method: clinical testing. Allele origin: germline. Not counted in ClinVar's aggregate classification.

Illumina Laboratory Services, Illumina
Classification: Uncertain significance for Glaucoma 1, open angle, A. Last evaluated: 2018-01-13. Review status: criteria provided, single submitter. Criteria: ICSL Variant Classification Criteria 13 December 2019. Collection method: clinical testing. Allele origin: germline. Not counted in ClinVar's aggregate classification.